The following is an entry in ClinVar:

NM_152296.5(ATP1A3):c.2315G>A (p.Ser772Asn)

Gene: ATP1A3 (ATPase Na+/K+ transporting subunit alpha 3; minus strand). Cytogenetic location: 19q13.2.
Variant type: single nucleotide variant.
Coding change: c.2315G>A on transcript NM_152296.5 (MANE Select); coding-DNA position 2315, G replaced by A.
Protein change: p.Ser772Asn; replaces serine 772 with asparagine.
Molecular consequence: missense variant.
Genome position (GRCh38, 1-based): chr19:41,970,491, C>T on the plus strand (G>A on the coding strand, the complement: ATP1A3 is on the minus strand). VCF-style: chr19-41970491-C-T. GRCh37 (hg19) VCF-style: chr19-42474643-C-T.
Other names: c.2348G>A, p.Ser783Asn (NM_001256213.2); c.2354G>A, p.Ser785Asn (NM_001256214.2); short protein forms S772N, S783N, S785N.
Identifiers: ClinVar variation 421593 (VCV000421593.11), dbSNP rs1064795234, ClinGen allele CA16620856.

ClinVar aggregate classification (germline): Pathogenic/Likely pathogenic. Review status: criteria provided, multiple submitters, no conflicts (2 of 4 stars). 2 submissions from 2 submitters: Pathogenic (1); Likely pathogenic (1). Last evaluated 2020-01-30.

Conditions:
Dystonia 12 (DYT12). Also called: DYT-ATP1A3; Rapid-Onset Dystonia-Parkinsonism (RDP). Identifiers: Orphanet 71517, MedGen C1868681, MONDO:0007496, OMIM 128235.

Submissions (2):

Labcorp Genetics (formerly Invitae), Labcorp
Classification: Pathogenic for Dystonia 12. Last evaluated: 2020-01-30. Review status: criteria provided, single submitter. Criteria: Invitae Variant Classification Sherloc (09022015). Collection method: clinical testing. Allele origin: germline.
Comment: This variant has been observed in individual(s) with clinical features of an ATP1A3-related condition (Invitae). In at least one individual the variant was observed to be de novo. ClinVar contains an entry for this variant (Variation ID: 421593). Algorithms developed to predict the effect of missense changes on protein structure and function are either unavailable or do not agree on the potential impact of this missense change (SIFT: "Deleterious"; PolyPhen-2: "Possibly Damaging"; Align-GVGD: "Class C0"). This variant disrupts the p.Ser772 amino acid residue in ATP1A3. Other variant(s) that disrupt this residue have been determined to be pathogenic (PMID: 24842602, 22850527). This suggests that this residue is clinically significant, and that variants that disrupt this residue are likely to be disease-causing. For these reasons, this variant has been classified as Pathogenic. This sequence change replaces serine with asparagine at codon 772 of the ATP1A3 protein (p.Ser772Asn). The serine residue is moderately conserved and there is a small physicochemical difference between serine and asparagine. This variant is not present in population databases (ExAC no frequency).

GeneDx
Classification: Likely pathogenic. Last evaluated: 2016-07-01. Review status: criteria provided, single submitter. Criteria: GeneDx Variant Classification (06012015). Collection method: clinical testing. Allele origin: germline. Affected: yes.
Comment: The S772N variant in the ATP1A3 gene has not been reported previously as a pathogenic variant, nor as a benign variant, to our knowledge. The S772N variant was not observed in approximately 6500 individuals of European and African American ancestry in the NHLBI Exome Sequencing Project, indicating it is not a common benign variant in these populations. The S772N variant is a conservative amino acid substitution, which is not likely to impact secondary protein structure as these residues share similar properties. However, this substitution occurs at a position that is conserved across species, and in silico analysis predicts this variant is probably damaging to the protein structure/function. Missense variants in the same (S772R) and nearby (L770R, T771I, T771N, D773I, D773T, D773S) residues have been reported in the Human Gene Mutation Database in association with ATP1A3-related disorders (Rosewich et al., 2012; Yang et al., 2014; Viollet et al., 2015; Stenson et al., 2014), supporting the functional importance of this region of the protein. The S772N variant is a strong candidate for a pathogenic variant, however, the possibility it may be a rare benign variant cannot be excluded.

Literature cited by the submitters: PubMed 24842602 (cited by Labcorp Genetics (formerly Invitae), Labcorp); PubMed 22850527 (cited by Labcorp Genetics (formerly Invitae), Labcorp).